The following is an entry in ClinVar:

NM_002382.5(MAX):c.415G>A (p.Asp139Asn)

Gene: MAX (MYC associated transcriptional regulator X; minus strand). Cytogenetic location: 14q23.3.
Variant type: single nucleotide variant.
Coding change: c.415G>A on transcript NM_002382.5 (MANE Select); coding-DNA position 415, G replaced by A.
Protein change: p.Asp139Asn; replaces aspartic acid 139 with asparagine.
Molecular consequence: missense variant. On other transcripts: 3 prime UTR variant (1), intron variant (2).
Genome position (GRCh38, 1-based): chr14:65,076,544, C>T on the plus strand (G>A on the coding strand, the complement: MAX is on the minus strand). VCF-style: chr14-65076544-C-T. GRCh37 (hg19) VCF-style: chr14-65543262-C-T.
Other names: c.226G>A, p.Asp76Asn (NM_001320415.2, NM_001407105.1, NM_001407106.1 and 1 more transcripts); c.415G>A, p.Asp139Asn (NM_001407094.1); c.388G>A, p.Asp130Asn (NM_001407095.1, NM_145112.3); c.*188G>A (NM_001407096.1, NM_001407099.1, NM_001407102.1 and 2 more transcripts); c.*204G>A (NM_001407097.1, NM_001407100.1, NM_001407101.1 and 4 more transcripts); c.307G>A, p.Asp103Asn (NM_001407098.1); c.214G>A, p.Asp72Asn (NM_001407111.1, NM_001407112.1); c.144+17164G>A (NM_001271069.2); and 1 more; short protein forms D139N, D76N, D130N, D72N, D103N.
Identifiers: ClinVar variation 404103 (VCV000404103.17), dbSNP rs772397458, ClinGen allele CA7232791.
Genomic context (GRCh38, chr14:65,076,544, plus strand): 5'-CCTCCATCCGGAGCTTCTTCCTGCTTTGGGGCTCTTCAGGCTCAGACTCCGAGCTGGAGT[C>T]CGAGCCCCCATCGAAGGCAGAGATGGTGCTGCCCTTGGCGTTGGTGTAGAGGCTGTTGTC-3'
Protein context (NP_002373.3, residues 129-149): STISAFDGGS[Asp139Asn]SSSESEPEEP

ClinVar aggregate classification (germline): Uncertain significance. Review status: criteria provided, multiple submitters, no conflicts (2 of 4 stars). 4 submissions from 4 submitters: Uncertain significance (4). Last evaluated 2025-09-04.

Conditions:
Hereditary pheochromocytoma and paraganglioma. Also called: Hereditary Paraganglioma-Pheochromocytoma Syndromes; Hereditary paragangliomas and pheochromocytomas; Hereditary pheochromocytoma-paraganglioma. Identifiers: Orphanet 29072, MedGen C4274332, MONDO:0017366.
Pheochromocytoma. Also called: MAX-Related Hereditary Paraganglioma-Pheochromocytoma Syndrome. Identifiers: Orphanet 29072, MedGen C0031511, MONDO:0008233, OMIM 171300, HP:0002666.
Hereditary cancer-predisposing syndrome. Also called: Tumor predisposition; Hereditary Cancer Syndrome; Neoplastic Syndromes, Hereditary; Hereditary neoplastic syndrome. Identifiers: Orphanet 140162, MedGen C0027672, MeSH D009386, MONDO:0015356.

Allele frequency attached by ClinVar (database versions not stated): TOPMed below 0.00001; ExAC 0.00002; gnomAD 0.00002; gnomAD exomes 0.00002.
gnomAD v4.1: 31 of 1,613,950 alleles (0.0019%); highest among the groups gnomAD compares: Non-Finnish European, 0.00042%; no homozygotes.

Submissions (4):

Labcorp Genetics (formerly Invitae), Labcorp
Classification: Uncertain significance for Hereditary pheochromocytoma and paraganglioma. Last evaluated: 2025-09-04. Review status: criteria provided, single submitter. Criteria: Invitae Variant Classification Sherloc (09022015). Collection method: clinical testing. Allele origin: germline.
Comment: This sequence change replaces aspartic acid, which is acidic and polar, with asparagine, which is neutral and polar, at codon 139 of the MAX protein (p.Asp139Asn). This variant is present in population databases (rs772397458, gnomAD 0.03%). This variant has not been reported in the literature in individuals affected with MAX-related conditions. ClinVar contains an entry for this variant (Variation ID: 404103). Invitae Evidence Modeling incorporating data from in vitro experimental studies (internal data) indicates that this missense variant is not expected to disrupt MAX function with a negative predictive value of 95%. In summary, the available evidence is currently insufficient to determine the role of this variant in disease. Therefore, it has been classified as a Variant of Uncertain Significance.

Ambry Genetics
Classification: Uncertain significance for Hereditary cancer-predisposing syndrome. Last evaluated: 2025-08-04. Review status: criteria provided, single submitter. Criteria: Ambry Variant Classification Scheme 2023. Collection method: clinical testing. Allele origin: germline.
Comment: The p.D139N variant (also known as c.415G>A), located in coding exon 5 of the MAX gene, results from a G to A substitution at nucleotide position 415. The aspartic acid at codon 139 is replaced by asparagine, an amino acid with highly similar properties. This amino acid position is well conserved in available vertebrate species. In addition, the in silico prediction for this alteration is inconclusive. Since supporting evidence is limited at this time, the clinical significance of this alteration remains unclear.

Baylor Genetics
Classification: Uncertain significance for Pheochromocytoma. Last evaluated: 2024-03-04. Review status: criteria provided, single submitter. Criteria: ACMG Guidelines, 2015. Collection method: clinical testing. Allele origin: unknown.

GeneDx
Classification: Uncertain significance. Last evaluated: 2022-12-22. Review status: criteria provided, single submitter. Criteria: GeneDx Variant Classification Process June 2021. Collection method: clinical testing. Allele origin: germline. Affected: yes.
Comment: In silico analysis supports that this missense variant has a deleterious effect on protein structure/function; Has not been previously published as pathogenic or benign to our knowledge; This variant is associated with the following publications: (PMID: 34923986)